The following is an entry in ClinVar:

NM_001371623.1(TCOF1):c.388_394del (p.Glu130fs)

Gene: TCOF1 (treacle ribosome biogenesis factor 1; plus strand). Cytogenetic location: 5q32.
Variant type: Deletion.
Coding change: c.388_394del on transcript NM_001371623.1 (MANE Select); coding-DNA positions 388 to 394, 7 bases deleted (GAGAAAG; older notation c.388_394delGAGAAAG).
Protein change: p.Glu130fs; shifts the reading frame from glutamic acid 130.
Molecular consequence: frameshift variant.
Genome position (GRCh38, 1-based): chr5:150,368,725-150,368,731, GAGAAAG deleted. VCF-style (leftmost placement, unchanged base first): chr5-150368724-AGAGAAAG-A. GRCh37 (hg19) VCF-style: chr5-149748287-AGAGAAAG-A.
Other names: c.388_394del, p.Glu130fs (NM_000356.4, NM_001008657.3, NM_001135243.2 and 4 more transcripts); short protein forms E130fs.
Identifiers: ClinVar variation 4886927 (VCV004886927.1).

ClinVar aggregate classification (germline): Pathogenic (1 of 4 stars; one submission).

Conditions:
Treacher Collins syndrome 1 (TCS1). Also called: TCOF1-Related Treacher Collins Syndrome. Identifiers: Orphanet 861, MedGen CN315775, MONDO:0007944, OMIM 154500.

Submission:

Cellular and Molecular Biology and Microbiology, Division of Genetics, University of Isfahan
Classification: Pathogenic for Treacher Collins syndrome 1. Last evaluated: 2026-08-15. Review status: criteria provided, single submitter. Criteria: ACMG Guidelines, 2015. Collection method: clinical testing. Allele origin: germline. Inheritance: Autosomal dominant inheritance. Affected: yes. Observed: 1 variant allele, 1 heterozygote.